The following is an entry in ClinVar:

ClinVar aggregate classification (germline): Uncertain significance (1 of 4 stars; one submission).

Allele frequency attached by ClinVar (database versions not stated): gnomAD exomes below 0.00001.
gnomAD v4.1: 1 of 1,611,830 alleles (0.000062%); highest among the groups gnomAD compares: Admixed American, 0.0017%; no homozygotes.

Submission:

Labcorp Genetics (formerly Invitae), Labcorp
Classification: Uncertain significance. Last evaluated: 2022-05-15. Review status: criteria provided, single submitter. Criteria: Invitae Variant Classification Sherloc (09022015). Collection method: clinical testing. Allele origin: germline.
Comment: In summary, the available evidence is currently insufficient to determine the role of this variant in disease. Therefore, it has been classified as a Variant of Uncertain Significance. Advanced modeling of protein sequence and biophysical properties (such as structural, functional, and spatial information, amino acid conservation, physicochemical variation, residue mobility, and thermodynamic stability) performed at Invitae indicates that this missense variant is not expected to disrupt SI protein function. This variant has not been reported in the literature in individuals affected with SI-related conditions. This variant is present in population databases (no rsID available, gnomAD 0.003%). This sequence change replaces valine, which is neutral and non-polar, with phenylalanine, which is neutral and non-polar, at codon 116 of the SI protein (p.Val116Phe).

NM_001041.4(SI):c.346G>T (p.Val116Phe)

Gene: SI (sucrase-isomaltase; minus strand). Cytogenetic location: 3q26.1.
Variant type: single nucleotide variant.
Coding change: c.346G>T on transcript NM_001041.4 (MANE Select); coding-DNA position 346, G replaced by T.
Protein change: p.Val116Phe; replaces valine 116 with phenylalanine.
Molecular consequence: missense variant.
Genome position (GRCh38, 1-based): chr3:165,069,105, C>A on the plus strand (G>T on the coding strand, the complement: SI is on the minus strand). VCF-style: chr3-165069105-C-A. GRCh37 (hg19) VCF-style: chr3-164786893-C-A.
Other names: short protein forms V116F.
Identifiers: ClinVar variation 1950381 (VCV001950381.5), dbSNP rs1247427505, ClinGen allele CA355035361.
Genomic context (GRCh38, chr3:165,069,105, plus strand): 5'-CATATTGAATCATTATAACAGAGGACTTCTTACCAATACTTGTTGTTGTCATGTCTTGAA[C>A]GTTATAACCATGATTATCAACGAAGAAGCACCAAGGAATAAGAGAGTCATTCCACGGCCT-3'
Protein context (NP_001032.2, residues 106-126): CFFVDNHGYN[Val116Phe]QDMTTTSIGV